The following is an entry in ClinVar:

NM_177438.3(DICER1):c.1861G>A (p.Gly621Ser)

Gene: DICER1 (dicer 1, ribonuclease III; minus strand). Cytogenetic location: 14q32.13.
Variant type: single nucleotide variant.
Coding change: c.1861G>A on transcript NM_177438.3 (MANE Select); coding-DNA position 1861, G replaced by A.
Protein change: p.Gly621Ser; replaces glycine 621 with serine.
Molecular consequence: missense variant. On other transcripts: non-coding transcript variant (6).
Genome position (GRCh38, 1-based): chr14:95,115,713, C>T on the plus strand (G>A on the coding strand, the complement: DICER1 is on the minus strand). VCF-style: chr14-95115713-C-T. GRCh37 (hg19) VCF-style: chr14-95582050-C-T.
Other names: c.1861G>A, p.Gly621Ser (NM_001195573.1, NM_001271282.3, NM_001291628.2 and 13 more transcripts); c.1579G>A, p.Gly527Ser (NM_001395686.1); c.1456G>A, p.Gly486Ser (NM_001395687.1, NM_001395688.1, NM_001395689.1 and 3 more transcripts); c.1294G>A, p.Gly432Ser (NM_001395691.1); c.178G>A, p.Gly60Ser (NM_001395697.1); short protein forms G486S, G527S, G621S, G432S, G60S.
Identifiers: ClinVar variation 1902542 (VCV001902542.6), dbSNP rs1892380225, ClinGen allele CA390883967.

ClinVar aggregate classification (germline): Uncertain significance. Review status: criteria provided, multiple submitters, no conflicts (2 of 4 stars). 2 submissions from 2 submitters: Uncertain significance (2). Last evaluated 2025-07-07.

Conditions:
Hereditary cancer-predisposing syndrome. Also called: Tumor predisposition; Neoplastic Syndromes, Hereditary; Hereditary neoplastic syndrome; Hereditary Cancer Syndrome. Identifiers: Orphanet 140162, MedGen C0027672, MeSH D009386, MONDO:0015356.
DICER1-related tumor predisposition. Also called: DICER1-related pleuropulmonary blastoma cancer predisposition syndrome; DICER1 syndrome. Identifiers: Orphanet 284343, MedGen C3839822, MONDO:0100216.

Submissions (2):

Labcorp Genetics (formerly Invitae), Labcorp
Classification: Uncertain significance for DICER1-related tumor predisposition. Last evaluated: 2025-07-07. Review status: criteria provided, single submitter. Criteria: Invitae Variant Classification Sherloc (09022015). Collection method: clinical testing. Allele origin: germline.
Comment: This sequence change replaces glycine, which is neutral and non-polar, with serine, which is neutral and polar, at codon 621 of the DICER1 protein (p.Gly621Ser). This variant is not present in population databases (gnomAD no frequency). This variant has not been reported in the literature in individuals affected with DICER1-related conditions. ClinVar contains an entry for this variant (Variation ID: 1902542). Invitae Evidence Modeling of protein sequence and biophysical properties (such as structural, functional, and spatial information, amino acid conservation, physicochemical variation, residue mobility, and thermodynamic stability) indicates that this missense variant is not expected to disrupt DICER1 protein function with a negative predictive value of 95%. In summary, the available evidence is currently insufficient to determine the role of this variant in disease. Therefore, it has been classified as a Variant of Uncertain Significance.

Ambry Genetics
Classification: Uncertain significance for Hereditary cancer-predisposing syndrome. Last evaluated: 2024-07-09. Review status: criteria provided, single submitter. Criteria: Ambry Variant Classification Scheme 2023. Collection method: clinical testing. Allele origin: germline.
Comment: The p.G621S variant (also known as c.1861G>A), located in coding exon 10 of the DICER1 gene, results from a G to A substitution at nucleotide position 1861. The glycine at codon 621 is replaced by serine, an amino acid with similar properties. This amino acid position is conserved. In addition, this alteration is predicted to be tolerated by in silico analysis. Based on the available evidence, the clinical significance of this variant remains unclear.